The following is an entry in ClinVar:

Conditions:
Arteriohepatic dysplasia. Also called: Alagille Syndrome. Identifiers: Orphanet 52, MedGen C0085280, MeSH D016738, MONDO:0007318.

Submission:

Gilbert/Spinner Lab, Children's Hospital of Philadelphia
No classification provided (evidence only). Condition: Alagille syndrome. Review status: no classification provided. Collection method: research. Allele origin: not applicable. Functional consequence: functionally_abnormal.
ClinVar note: "not provided" was previously submitted as the classification for the variant. However, the classification appeared to be based only on an observation of functional data so it was converted to no classification on 2025-07-30.

NM_000214.3(JAG1):c.881A>G (p.Asp294Gly)

Gene: JAG1 (jagged canonical Notch ligand 1; minus strand). Cytogenetic location: 20p12.2.
Variant type: single nucleotide variant.
Coding change: c.881A>G on transcript NM_000214.3 (MANE Select); coding-DNA position 881, A replaced by G.
Protein change: p.Asp294Gly; replaces aspartic acid 294 with glycine.
Molecular consequence: missense variant.
Genome position (GRCh38, 1-based): chr20:10,652,473, T>C on the plus strand (A>G on the coding strand, the complement: JAG1 is on the minus strand). VCF-style: chr20-10652473-T-C. GRCh37 (hg19) VCF-style: chr20-10633121-T-C.
Other names: short protein forms D294G.
Identifiers: ClinVar variation 3573394 (VCV003573394.2).